The following is an entry in ClinVar:

NM_015450.3(POT1):c.1351T>C (p.Cys451Arg)

Gene: POT1 (protection of telomeres 1; minus strand). Cytogenetic location: 7q31.33.
Variant type: single nucleotide variant.
Coding change: c.1351T>C on transcript NM_015450.3 (MANE Select); coding-DNA position 1351, T replaced by C.
Protein change: p.Cys451Arg; replaces cysteine 451 with arginine.
Molecular consequence: missense variant. On other transcripts: non-coding transcript variant (3).
Genome position (GRCh38, 1-based): chr7:124,840,991, A>G on the plus strand (T>C on the coding strand, the complement: POT1 is on the minus strand). VCF-style: chr7-124840991-A-G. GRCh37 (hg19) VCF-style: chr7-124481045-A-G.
Other names: c.958T>C, p.Cys320Arg (NM_001042594.2); short protein forms C320R, C451R.
Identifiers: ClinVar variation 1770619 (VCV001770619.4), dbSNP rs1180350504, ClinGen allele CA369066666.

ClinVar aggregate classification (germline): Uncertain significance. Review status: criteria provided, multiple submitters, no conflicts (2 of 4 stars). 2 submissions from 2 submitters: Uncertain significance (2). Last evaluated 2025-05-19.

Conditions:
Tumor predisposition syndrome 3 (TPDS3). Also called: Melanoma, cutaneous malignant, susceptibility to, 10; Glioma susceptibility 9; LONG TELOMERE SYNDROME, POT1-RELATED; POT1 Tumor Predisposition. Identifiers: Orphanet 618, MedGen C4014476, MONDO:0014368, OMIM 615848.
Hereditary cancer-predisposing syndrome. Also called: Hereditary Cancer Syndrome; Hereditary neoplastic syndrome; Neoplastic Syndromes, Hereditary; Tumor predisposition. Identifiers: Orphanet 140162, MedGen C0027672, MeSH D009386, MONDO:0015356.

Allele frequency attached by ClinVar (database versions not stated): gnomAD exomes 0.00001.
gnomAD v4.1: 18 of 1,605,494 alleles (0.0011%); highest among the groups gnomAD compares: Non-Finnish European, 0.0014%; no homozygotes.

Submissions (2):

Ambry Genetics
Classification: Uncertain significance for Hereditary cancer-predisposing syndrome. Last evaluated: 2025-05-19. Review status: criteria provided, single submitter. Criteria: Ambry Variant Classification Scheme 2023. Collection method: clinical testing. Allele origin: germline.
Comment: The p.C451R variant (also known as c.1351T>C), located in coding exon 10 of the POT1 gene, results from a T to C substitution at nucleotide position 1351. The cysteine at codon 451 is replaced by arginine, an amino acid with highly dissimilar properties. This amino acid position is not well conserved in available vertebrate species. In addition, this alteration is predicted to be tolerated by in silico analysis. Since supporting evidence is limited at this time, the clinical significance of this alteration remains unclear.

Labcorp Genetics (formerly Invitae), Labcorp
Classification: Uncertain significance for Tumor predisposition syndrome 3. Last evaluated: 2023-06-27. Review status: criteria provided, single submitter. Criteria: Invitae Variant Classification Sherloc (09022015). Collection method: clinical testing. Allele origin: germline.
Comment: In summary, the available evidence is currently insufficient to determine the role of this variant in disease. Therefore, it has been classified as a Variant of Uncertain Significance. Advanced modeling of protein sequence and biophysical properties (such as structural, functional, and spatial information, amino acid conservation, physicochemical variation, residue mobility, and thermodynamic stability) performed at Invitae indicates that this missense variant is not expected to disrupt POT1 protein function. ClinVar contains an entry for this variant (Variation ID: 1770619). This variant has not been reported in the literature in individuals affected with POT1-related conditions. This variant is present in population databases (no rsID available, gnomAD 0.0009%). This sequence change replaces cysteine, which is neutral and slightly polar, with arginine, which is basic and polar, at codon 451 of the POT1 protein (p.Cys451Arg).